The following is an entry in ClinVar:

NM_014915.3(ANKRD26):c.1852A>T (p.Thr618Ser)

Gene: ANKRD26 (ankyrin repeat domain 26; minus strand). Cytogenetic location: 10p12.1.
Variant type: single nucleotide variant.
Coding change: c.1852A>T on transcript NM_014915.3 (MANE Select); coding-DNA position 1852, A replaced by T.
Protein change: p.Thr618Ser; replaces threonine 618 with serine.
Molecular consequence: missense variant.
Genome position (GRCh38, 1-based): chr10:27,046,486, T>A on the plus strand (A>T on the coding strand, the complement: ANKRD26 is on the minus strand). VCF-style: chr10-27046486-T-A. GRCh37 (hg19) VCF-style: chr10-27335415-T-A.
Other names: c.1849A>T, p.Thr617Ser (NM_001256053.2); short protein forms T617S, T618S.
Identifiers: ClinVar variation 4104405 (VCV004104405.2).

ClinVar aggregate classification (germline): Uncertain significance. Review status: criteria provided, multiple submitters, no conflicts (2 of 4 stars). 2 submissions from 2 submitters: Uncertain significance (2). Last evaluated 2025-08-22.

Conditions:
Inborn genetic diseases. Identifiers: MedGen C0950123, MeSH D030342.

Submissions (2):

Ambry Genetics
Classification: Uncertain significance for Inborn genetic diseases. Last evaluated: 2025-08-22. Review status: criteria provided, single submitter. Criteria: Ambry Variant Classification Scheme 2023. Collection method: clinical testing. Allele origin: germline.
Comment: The p.T618S variant (also known as c.1852A>T), located in coding exon 18 of the ANKRD26 gene, results from an A to T substitution at nucleotide position 1852. The threonine at codon 618 is replaced by serine, an amino acid with similar properties. This amino acid position is conserved. In addition, this alteration is predicted to be tolerated by in silico analysis. Based on the available evidence, the clinical significance of this variant remains unclear.

Labcorp Genetics (formerly Invitae), Labcorp
Classification: Uncertain significance. Last evaluated: 2025-03-22. Review status: criteria provided, single submitter. Criteria: Invitae Variant Classification Sherloc (09022015). Collection method: clinical testing. Allele origin: germline.
Comment: This sequence change replaces threonine, which is neutral and polar, with serine, which is neutral and polar, at codon 618 of the ANKRD26 protein (p.Thr618Ser). This variant is not present in population databases (gnomAD no frequency). This variant has not been reported in the literature in individuals affected with ANKRD26-related conditions. An algorithm developed to predict the effect of missense changes on protein structure and function outputs the following: PolyPhen-2: "Benign". The serine amino acid residue is found in multiple mammalian species, which suggests that this missense change does not adversely affect protein function. In summary, the available evidence is currently insufficient to determine the role of this variant in disease. Therefore, it has been classified as a Variant of Uncertain Significance.